The following is an entry in ClinVar:

NM_006269.2(RP1):c.1349C>T (p.Pro450Leu)

Gene: RP1 (RP1 axonemal microtubule associated; plus strand). Cytogenetic location: 8q12.1.
Variant type: single nucleotide variant.
Coding change: c.1349C>T on transcript NM_006269.2 (MANE Select); coding-DNA position 1349, C replaced by T.
Protein change: p.Pro450Leu; replaces proline 450 with leucine.
Molecular consequence: missense variant. On other transcripts: intron variant (1).
Genome position (GRCh38, 1-based): chr8:54,625,231, C>T. VCF-style: chr8-54625231-C-T. GRCh37 (hg19) VCF-style: chr8-55537791-C-T.
Other names: c.787+2943C>T (NM_001375654.1); short protein forms P450L.
Identifiers: ClinVar variation 3649385 (VCV003649385.2).

ClinVar aggregate classification (germline): Uncertain significance (1 of 4 stars; one submission).

gnomAD v4.1: 1 of 1,614,120 alleles (0.000062%); highest among the groups gnomAD compares: Non-Finnish European, 0.000085%; no homozygotes.

Submission:

Labcorp Genetics (formerly Invitae), Labcorp
Classification: Uncertain significance. Last evaluated: 2025-03-17. Review status: criteria provided, single submitter. Criteria: Invitae Variant Classification Sherloc (09022015). Collection method: clinical testing. Allele origin: germline.
Comment: This sequence change replaces proline, which is neutral and non-polar, with leucine, which is neutral and non-polar, at codon 450 of the RP1 protein (p.Pro450Leu). This variant is not present in population databases (gnomAD no frequency). This variant has not been reported in the literature in individuals affected with RP1-related conditions. An algorithm developed to predict the effect of missense changes on protein structure and function (PolyPhen-2) suggests that this variant is likely to be disruptive. In summary, the available evidence is currently insufficient to determine the role of this variant in disease. Therefore, it has been classified as a Variant of Uncertain Significance.